The following is an entry in ClinVar:

NM_000268.4(NF2):c.1225A>G (p.Met409Val)

Gene: NF2 (NF2, moesin-ezrin-radixin like (MERLIN) tumor suppressor; plus strand). Cytogenetic location: 22q12.2.
Variant type: single nucleotide variant.
Coding change: c.1225A>G on transcript NM_000268.4 (MANE Select); coding-DNA position 1225, A replaced by G.
Protein change: p.Met409Val; replaces methionine 409 with valine.
Molecular consequence: missense variant. On other transcripts: intron variant (1).
Genome position (GRCh38, 1-based): chr22:29,673,371, A>G. VCF-style: chr22-29673371-A-G. GRCh37 (hg19) VCF-style: chr22-30069360-A-G.
Other names: c.1111A>G, p.Met371Val (NM_001407053.1, NM_001407056.1); c.1102A>G, p.Met368Val (NM_001407058.1, NM_001407054.1, NM_181829.3); c.1090A>G, p.Met364Val (NM_001407059.1, NM_001407057.1); c.1225A>G, p.Met409Val (NM_001407060.1, NM_001407066.1, NM_016418.5 and 2 more transcripts); c.967A>G, p.Met323Val (NM_001407062.1); c.691A>G, p.Met231Val (NM_001407065.1); c.994A>G, p.Met332Val (NM_001407067.1); c.1099A>G, p.Met367Val (NM_001407055.1, NM_181828.3); and 2 more; short protein forms M332V, M367V, M371V, M323V, M364V, M368V, M409V, M231V.
Identifiers: ClinVar variation 3919161 (VCV003919161.1).

ClinVar aggregate classification (germline): Uncertain significance (1 of 4 stars; one submission).

Conditions:
Hereditary cancer-predisposing syndrome. Also called: Hereditary Cancer Syndrome; Hereditary neoplastic syndrome; Neoplastic Syndromes, Hereditary; Tumor predisposition. Identifiers: Orphanet 140162, MedGen C0027672, MeSH D009386, MONDO:0015356.

Submission:

Ambry Genetics
Classification: Uncertain significance for Hereditary cancer-predisposing syndrome. Last evaluated: 2025-05-23. Review status: criteria provided, single submitter. Criteria: Ambry Variant Classification Scheme 2023. Collection method: clinical testing. Allele origin: germline.
Comment: The p.M409V variant (also known as c.1225A>G), located in coding exon 12 of the NF2 gene, results from an A to G substitution at nucleotide position 1225. The methionine at codon 409 is replaced by valine, an amino acid with highly similar properties. This amino acid position is conserved. In addition, the in silico prediction for this alteration is inconclusive. Based on the available evidence, the clinical significance of this variant remains unclear.